The following is an entry in ClinVar:

ClinVar aggregate classification (germline): Uncertain significance (1 of 4 stars; one submission).

Submission:

GeneDx
Classification: Uncertain significance. Last evaluated: 2020-02-03. Review status: criteria provided, single submitter. Criteria: GeneDx Variant Classification Process June 2021. Collection method: clinical testing. Allele origin: germline. Affected: yes.
Comment: Not observed in large population cohorts (Lek et al., 2016); In silico analysis supports that this missense variant has a deleterious effect on protein structure/function; Has not been previously published as pathogenic or benign to our knowledge

NM_001904.4(CTNNB1):c.1906G>C (p.Ala636Pro)

Gene: CTNNB1 (catenin beta 1; plus strand). Cytogenetic location: 3p22.1.
Variant type: single nucleotide variant.
Coding change: c.1906G>C on transcript NM_001904.4 (MANE Select); coding-DNA position 1906, G replaced by C.
Protein change: p.Ala636Pro; replaces alanine 636 with proline.
Molecular consequence: missense variant.
Genome position (GRCh38, 1-based): chr3:41,236,451, G>C. VCF-style: chr3-41236451-G-C. GRCh37 (hg19) VCF-style: chr3-41277942-G-C.
Other names: c.1906G>C, p.Ala636Pro (NM_001098209.2, NM_001098210.2); c.1885G>C, p.Ala629Pro (NM_001330729.2); short protein forms A629P, A636P.
Identifiers: ClinVar variation 1315855 (VCV001315855.2), dbSNP rs2125646191, ClinGen allele CA352236310.